The following is an entry in ClinVar:

ClinVar aggregate classification (germline): Uncertain significance (1 of 4 stars; one submission).

Conditions:
Propionic acidemia (PROP). Also called: GLYCINEMIA, KETOTIC; HYPERGLYCINEMIA WITH KETOACIDOSIS AND LEUKOPENIA; KETOTIC HYPERGLYCINEMIA. Identifiers: Orphanet 35, MedGen C0268579, MONDO:0011628, OMIM 606054, HP:0003571.

gnomAD v4.1: 3 of 1,598,002 alleles (0.00019%); highest among the groups gnomAD compares: Non-Finnish European, 0.00026%; no homozygotes.

Submission:

Labcorp Genetics (formerly Invitae), Labcorp
Classification: Uncertain significance for Propionic acidemia. Last evaluated: 2022-04-09. Review status: criteria provided, single submitter. Criteria: Invitae Variant Classification Sherloc (09022015). Collection method: clinical testing. Allele origin: germline.
Comment: Algorithms developed to predict the effect of missense changes on protein structure and function are either unavailable or do not agree on the potential impact of this missense change (SIFT: "Deleterious"; PolyPhen-2: "Benign"; Align-GVGD: "Class C0"). This variant has not been reported in the literature in individuals affected with PCCB-related conditions. This variant is not present in population databases (gnomAD no frequency). This sequence change replaces lysine, which is basic and polar, with glutamine, which is neutral and polar, at codon 218 of the PCCB protein (p.Lys218Gln). In summary, the available evidence is currently insufficient to determine the role of this variant in disease. Therefore, it has been classified as a Variant of Uncertain Significance.

NM_000532.5(PCCB):c.652A>C (p.Lys218Gln)

Gene: PCCB (propionyl-CoA carboxylase subunit beta; plus strand). Cytogenetic location: 3q22.3.
Variant type: single nucleotide variant.
Coding change: c.652A>C on transcript NM_000532.5 (MANE Select); coding-DNA position 652, A replaced by C.
Protein change: p.Lys218Gln; replaces lysine 218 with glutamine.
Molecular consequence: missense variant.
Genome position (GRCh38, 1-based): chr3:136,283,945, A>C. VCF-style: chr3-136283945-A-C. GRCh37 (hg19) VCF-style: chr3-136002787-A-C.
Other names: c.712A>C, p.Lys238Gln (NM_001178014.2); short protein forms K238Q, K218Q.
Identifiers: ClinVar variation 1970753 (VCV001970753.5), dbSNP rs781576125, ClinGen allele CA354641981.